The following is an entry in ClinVar:

ClinVar aggregate classification (germline): Uncertain significance. Review status: criteria provided, multiple submitters, no conflicts (2 of 4 stars). 2 submissions from 2 submitters: Uncertain significance (2). Last evaluated 2024-12-23.

Conditions:
Tumor predisposition syndrome 3 (TPDS3). Also called: Melanoma, cutaneous malignant, susceptibility to, 10; LONG TELOMERE SYNDROME, POT1-RELATED; POT1 Tumor Predisposition; Glioma susceptibility 9. Identifiers: Orphanet 618, MedGen C4014476, MONDO:0014368, OMIM 615848.
Hereditary cancer-predisposing syndrome. Also called: Tumor predisposition; Neoplastic Syndromes, Hereditary; Hereditary neoplastic syndrome; Hereditary Cancer Syndrome. Identifiers: Orphanet 140162, MedGen C0027672, MeSH D009386, MONDO:0015356.

Allele frequency attached by ClinVar (database versions not stated): TOPMed below 0.00001; gnomAD 0.00001; gnomAD exomes 0.00001 and 0.00002; ExAC 0.00002.
gnomAD v4.1: 22 of 1,609,888 alleles (0.0014%); highest among the groups gnomAD compares: Non-Finnish European, 0.0017%; no homozygotes.

Submissions (2):

Ambry Genetics
Classification: Uncertain significance for Hereditary cancer-predisposing syndrome. Last evaluated: 2024-12-23. Review status: criteria provided, single submitter. Criteria: Ambry Variant Classification Scheme 2023. Collection method: clinical testing. Allele origin: germline.
Comment: The p.Q256H variant (also known as c.768G>C), located in coding exon 6 of the POT1 gene, results from a G to C substitution at nucleotide position 768. The glutamine at codon 256 is replaced by histidine, an amino acid with highly similar properties. This amino acid position is not well conserved in available vertebrate species. In addition, this alteration is predicted to be tolerated by in silico analysis. Since supporting evidence is limited at this time, the clinical significance of this alteration remains unclear.

Labcorp Genetics (formerly Invitae), Labcorp
Classification: Uncertain significance for Tumor predisposition syndrome 3. Last evaluated: 2024-09-19. Review status: criteria provided, single submitter. Criteria: Invitae Variant Classification Sherloc (09022015). Collection method: clinical testing. Allele origin: germline.
Comment: This sequence change replaces glutamine, which is neutral and polar, with histidine, which is basic and polar, at codon 256 of the POT1 protein (p.Gln256His). This variant is present in population databases (rs577386630, gnomAD 0.004%). This variant has not been reported in the literature in individuals affected with POT1-related conditions. ClinVar contains an entry for this variant (Variation ID: 577158). Invitae Evidence Modeling of protein sequence and biophysical properties (such as structural, functional, and spatial information, amino acid conservation, physicochemical variation, residue mobility, and thermodynamic stability) indicates that this missense variant is not expected to disrupt POT1 protein function with a negative predictive value of 80%. In summary, the available evidence is currently insufficient to determine the role of this variant in disease. Therefore, it has been classified as a Variant of Uncertain Significance.

NM_015450.3(POT1):c.768G>C (p.Gln256His)

Gene: POT1 (protection of telomeres 1; minus strand). Cytogenetic location: 7q31.33.
Variant type: single nucleotide variant.
Coding change: c.768G>C on transcript NM_015450.3 (MANE Select); coding-DNA position 768, G replaced by C.
Protein change: p.Gln256His; replaces glutamine 256 with histidine.
Molecular consequence: missense variant. On other transcripts: non-coding transcript variant (3).
Genome position (GRCh38, 1-based): chr7:124,853,073, C>G on the plus strand (G>C on the coding strand, the complement: POT1 is on the minus strand). VCF-style: chr7-124853073-C-G. GRCh37 (hg19) VCF-style: chr7-124493127-C-G.
Other names: c.375G>C, p.Gln125His (NM_001042594.2); short protein forms Q256H, Q125H.
Identifiers: ClinVar variation 577158 (VCV000577158.14), dbSNP rs577386630, ClinGen allele CA4465358.